The following is an entry in ClinVar:

ClinVar aggregate classification (germline): Pathogenic/Likely pathogenic. Review status: criteria provided, multiple submitters, no conflicts (2 of 4 stars). 3 submissions from 3 submitters: Pathogenic (1); Likely pathogenic (1). 1 of the submissions does not count toward it. Last evaluated 2025-03-17.

Conditions:
NEB-related disorder. Also called: NEB-Related Disorders; NEB-related condition.
Nemaline myopathy. Also called: Myopathies, Nemaline. Identifiers: Orphanet 607, MedGen C0206157, MONDO:0018958.
Nemaline myopathy 2 (NEM2). Also called: Nemaline myopathy 2, autosomal recessive. Identifiers: MedGen C1850569, MONDO:0009725, OMIM 256030.

Submissions (3):

Broad Center for Mendelian Genomics, Broad Institute of MIT and Harvard
Classification: Pathogenic for Nemaline myopathy. Last evaluated: 2025-03-17. Review status: criteria provided, single submitter. Criteria: ACMG Guidelines, 2015. Collection method: curation. Allele origin: germline. Inheritance: Autosomal recessive inheritance.
Comment: The p.Arg2799LeufsTer3 variant in NEB has been reported, in the compound heterozygous state, in one individual with nemaline myopathy (PMID: 16917880) and has been identified in 0.005% (3/63972) of European (Finnish) chromosomes by the Genome Aggregation Database (gnomAD; dbSNP ID: rs757768909). Although this variant has been seen in the general population in a heterozygous state, its frequency is low enough to be consistent with a recessive carrier frequency. This variant has also been reported in ClinVar (Variation ID: 552414) and has been interpreted as likely pathogenic by Counsyl. This variant is predicted to cause a frameshift, which alters the protein‚Äôs amino acid sequence beginning at position 2799 and leads to a premature termination codon 3 amino acids downstream. This alteration is then predicted to lead to a truncated or absent protein. Loss of function of the NEB gene is an established disease mechanism in autosomal recessive nemaline myopathy. In summary, this variant meets criteria to be classified as pathogenic for autosomal recessive nemaline myopathy. ACMG/AMP Criteria applied: PVS1, PM2_supporting, PM3 (Richards 2015).

Blueprint Genetics
Classification: Likely pathogenic for NEB-related disorders. Last evaluated: 2017-06-26. Review status: criteria provided, single submitter. Criteria: ACMG Guidelines, 2015. Collection method: clinical testing. Allele origin: germline. Affected: yes. Observed: 1 variant allele.

Counsyl
Classification: Likely pathogenic for Nemaline myopathy 2. Last evaluated: 2017-06-09. Review status: no assertion criteria provided. Collection method: clinical testing. Allele origin: unknown. Not counted in ClinVar's aggregate classification.

Literature cited by the submitters: PubMed 16917880 (cited by Counsyl); PubMed 25205138 (cited by Counsyl).

NM_001164508.2(NEB):c.8392_8395dup (p.Arg2799fs)

Gene: NEB (nebulin; minus strand). Cytogenetic location: 2q23.3.
Variant type: Duplication.
Coding change: c.8392_8395dup on transcript NM_001164508.2 (MANE Select); coding-DNA positions 8392 to 8395, 4 bases duplicated (TATC; older notation c.8392_8395dupTATC).
Protein change: p.Arg2799fs; shifts the reading frame from arginine 2799.
Molecular consequence: frameshift variant.
Genome position (GRCh38, 1-based): chr2:151,640,645-151,640,648, GATA duplicated on the plus strand (TATC on the coding strand, the reverse complement: NEB is on the minus strand); duplicating any 4 consecutive bases within chr2:151,640,645-151,640,649 gives the same sequence; the c. name uses the placement nearest the transcript's 3' end. VCF-style (leftmost placement, unchanged base first): chr2-151640644-C-CGATA. GRCh37 (hg19) VCF-style: chr2-152497158-C-CGATA.
Other names: NM_001164508.2(NEB):c.8392_8395dup; p.Arg2799fs; c.8392_8395dup, p.Arg2799fs (NM_001164507.2, NM_001271208.2, NM_004543.5); c.8392_8395dupTATC (NM_001271208.1); short protein forms R2799fs.
Identifiers: ClinVar variation 552414 (VCV000552414.4), dbSNP rs765403861, ClinGen allele CA1909593.